The following is an entry in ClinVar:

ClinVar aggregate classification (germline): Uncertain significance (1 of 4 stars; one submission).

gnomAD v4.1: 3 of 1,614,102 alleles (0.00019%); highest among the groups gnomAD compares: Non-Finnish European, 0.00017%; no homozygotes.

Submission:

Labcorp Genetics (formerly Invitae), Labcorp
Classification: Uncertain significance. Last evaluated: 2024-10-13. Review status: criteria provided, single submitter. Criteria: Invitae Variant Classification Sherloc (09022015). Collection method: clinical testing. Allele origin: germline.
Comment: This sequence change replaces isoleucine, which is neutral and non-polar, with lysine, which is basic and polar, at codon 1289 of the LCT protein (p.Ile1289Lys). This variant is not present in population databases (gnomAD no frequency). This variant has not been reported in the literature in individuals affected with LCT-related conditions. Invitae Evidence Modeling of protein sequence and biophysical properties (such as structural, functional, and spatial information, amino acid conservation, physicochemical variation, residue mobility, and thermodynamic stability) has been performed for this missense variant. However, the output from this modeling did not meet the statistical confidence thresholds required to predict the impact of this variant on LCT protein function. In summary, the available evidence is currently insufficient to determine the role of this variant in disease. Therefore, it has been classified as a Variant of Uncertain Significance.

NM_002299.4(LCT):c.3866T>A (p.Ile1289Lys)

Gene: LCT (lactase; minus strand). Cytogenetic location: 2q21.3.
Variant type: single nucleotide variant.
Coding change: c.3866T>A on transcript NM_002299.4 (MANE Select); coding-DNA position 3866, T replaced by A.
Protein change: p.Ile1289Lys; replaces isoleucine 1289 with lysine.
Molecular consequence: missense variant.
Genome position (GRCh38, 1-based): chr2:135,808,481, A>T on the plus strand (T>A on the coding strand, the complement: LCT is on the minus strand). VCF-style: chr2-135808481-A-T. GRCh37 (hg19) VCF-style: chr2-136566051-A-T.
Other names: short protein forms I1289K.
Identifiers: ClinVar variation 3674431 (VCV003674431.1).